The following is an entry in ClinVar:

NM_032776.3(JMJD1C):c.4992AGA[2] (p.Glu1666del)

Gene: JMJD1C (jumonji domain containing 1C; minus strand). Cytogenetic location: 10q21.3.
Variant type: Microsatellite.
Coding change: c.4992AGA[2] on transcript NM_032776.3 (MANE Select); two copies in a row of the 3-base unit AGA starting at c.4992; the reference has three copies in a row; one copy, 3 bases deleted.
Protein change: p.Glu1666del; deletes glutamic acid 1666.
Molecular consequence: inframe deletion. On other transcripts: non-coding transcript variant (1).
Genome position (GRCh38, 1-based): chr10:63,206,669-63,206,671, TCT deleted on the plus strand (AGA on the coding strand, the reverse complement: JMJD1C is on the minus strand); deleting any 3 consecutive bases within chr10:63,206,669-63,206,677 gives the same sequence; the position shown is the placement nearest the transcript's 3' end. VCF-style (leftmost placement, unchanged base first): chr10-63206668-ATCT-A. GRCh37 (hg19) VCF-style: chr10-64966428-ATCT-A.
Other names: c.4446AGA[2], p.Glu1484del (NM_001282948.2, NM_001318154.2); c.4128AGA[2], p.Glu1378del (NM_001318153.2); c.4878AGA[2], p.Glu1628del (NM_001322252.2); c.4335AGA[2], p.Glu1447del (NM_001322254.2, NM_001322258.2); short protein forms E1378del, E1447del, E1484del, E1628del, E1666del.
Identifiers: ClinVar variation 1020916 (VCV001020916.8), dbSNP rs757141296, ClinGen allele CA5518175.
Genomic context (GRCh38, chr10:63,206,668, plus strand): 5'-TTGCAACTTCAGTTTACTTCTTTCTTTGGCACTCCTGCTGAGAACTCCATTGGGTTTCAA[ATCT>A]TCTTCTATTTCACCTTTTCTCTTTTGCAAATCATTTTGCTTCTTTTTGTAAGTTGGCTTA-3'

ClinVar aggregate classification (germline): Uncertain significance (1 of 4 stars; one submission).

Conditions:
Early Myoclonic Encephalopathy. Identifiers: MedGen C0270855.

Submission:

Labcorp Genetics (formerly Invitae), Labcorp
Classification: Uncertain significance for Early Myoclonic Encephalopathy. Last evaluated: 2026-01-05. Review status: criteria provided, single submitter. Criteria: Invitae Variant Classification Sherloc (09022015). Collection method: clinical testing. Allele origin: germline.
Comment: This variant, c.4998_5000del, results in the deletion of 1 amino acid(s) of the JMJD1C protein (p.Glu1666del), but otherwise preserves the integrity of the reading frame. This variant is present in population databases (rs757141296, gnomAD 0.007%). This variant has not been reported in the literature in individuals affected with JMJD1C-related conditions. Experimental studies and prediction algorithms are not available or were not evaluated, and the functional significance of this variant is currently unknown. In summary, the available evidence is currently insufficient to determine the role of this variant in disease. Therefore, it has been classified as a Variant of Uncertain Significance.